The following is an entry in ClinVar:

NM_015278.5(SASH1):c.3421G>A (p.Val1141Ile)

Gene: SASH1 (SAM and SH3 domain containing 1; plus strand). Cytogenetic location: 6q25.1.
Variant type: single nucleotide variant.
Coding change: c.3421G>A on transcript NM_015278.5 (MANE Select); coding-DNA position 3421, G replaced by A.
Protein change: p.Val1141Ile; replaces valine 1141 with isoleucine.
Molecular consequence: missense variant.
Genome position (GRCh38, 1-based): chr6:148,546,087, G>A. VCF-style: chr6-148546087-G-A. GRCh37 (hg19) VCF-style: chr6-148867223-G-A.
Other names: c.3286G>A, p.Val1096Ile (NM_001346505.2); c.3049G>A, p.Val1017Ile (NM_001346506.2); c.2704G>A, p.Val902Ile (NM_001346507.2); c.3193G>A, p.Val1065Ile (NM_001346508.2); c.3070G>A, p.Val1024Ile (NM_001346509.2); short protein forms V1017I, V1024I, V1065I, V1096I, V1141I, V902I.
Identifiers: ClinVar variation 5038839 (VCV005038839.1).

ClinVar aggregate classification (germline): Likely benign (1 of 4 stars; one submission).

gnomAD v4.1: 995 of 1,614,120 alleles (0.062%); highest among the groups gnomAD compares: Non-Finnish European, 0.071%; 2 homozygotes.

Submission:

CeGaT Center for Human Genetics Tuebingen
Classification: Likely benign. Last evaluated: 2026-07-01. Review status: criteria provided, single submitter. Criteria: CeGaT Center For Human Genetics Tuebingen Variant Classification Criteria Version 2. Collection method: clinical testing. Allele origin: germline. Affected: yes. Observed: 1 variant allele.
Comment: SASH1: BP4, BS2